The following is an entry in ClinVar:

ClinVar aggregate classification (germline): Uncertain significance (1 of 4 stars; one submission).

Conditions:
Ullrich congenital muscular dystrophy 2 (UCMD2). Identifiers: Orphanet 75840, MedGen C4225314, MONDO:0014654, OMIM 616470.
Bethlem myopathy 2 (BTHLM2). Identifiers: Orphanet 536516, Orphanet 610, MedGen C4225313, MONDO:0034022, OMIM 616471.

gnomAD v4.1: 3 of 1,613,226 alleles (0.00019%); highest among the groups gnomAD compares: Non-Finnish European, 0.00025%; no homozygotes.

Submission:

Labcorp Genetics (formerly Invitae), Labcorp
Classification: Uncertain significance for Bethlem myopathy 2; Ullrich congenital muscular dystrophy 2. Last evaluated: 2023-12-22. Review status: criteria provided, single submitter. Criteria: Invitae Variant Classification Sherloc (09022015). Collection method: clinical testing. Allele origin: germline.
Comment: This sequence change replaces glutamine, which is neutral and polar, with histidine, which is basic and polar, at codon 196 of the COL12A1 protein (p.Gln196His). This variant is present in population databases (rs748928908, gnomAD 0.0009%). This variant has not been reported in the literature in individuals affected with COL12A1-related conditions. Advanced modeling of protein sequence and biophysical properties (such as structural, functional, and spatial information, amino acid conservation, physicochemical variation, residue mobility, and thermodynamic stability) performed at Invitae indicates that this missense variant is not expected to disrupt COL12A1 protein function with a negative predictive value of 80%. In summary, the available evidence is currently insufficient to determine the role of this variant in disease. Therefore, it has been classified as a Variant of Uncertain Significance.

NM_004370.6(COL12A1):c.588G>T (p.Gln196His)

Gene: COL12A1 (collagen type XII alpha 1 chain; minus strand). Cytogenetic location: 6q13.
Variant type: single nucleotide variant.
Coding change: c.588G>T on transcript NM_004370.6 (MANE Select); coding-DNA position 588, G replaced by T.
Protein change: p.Gln196His; replaces glutamine 196 with histidine.
Molecular consequence: missense variant. On other transcripts: intron variant (2).
Genome position (GRCh38, 1-based): chr6:75,189,622, C>A on the plus strand (G>T on the coding strand, the complement: COL12A1 is on the minus strand). VCF-style: chr6-75189622-C-A. GRCh37 (hg19) VCF-style: chr6-75899338-C-A.
Other names: c.588G>T, p.Gln196His (NM_001424113.1, NM_001424114.1, NM_001424115.1); c.73+13098G>T (NM_001424116.1, NM_080645.3); short protein forms Q196H.
Identifiers: ClinVar variation 2928828 (VCV002928828.3), dbSNP rs748928908, ClinGen allele CA3894396.